The following is an entry in ClinVar:

ClinVar aggregate classification (germline): Likely benign (0 of 4 stars; one submission).

Conditions:
PIBF1-related disorder. Also called: PIBF1-related condition.

Allele frequency attached by ClinVar (database versions not stated): gnomAD exomes below 0.00001; ExAC 0.00002; gnomAD 0.00005; ESP Exome Variant Server 0.00008; TOPMed 0.00009; 1000 Genomes Project 30x 0.00016; 1000 Genomes Project 0.00020.
gnomAD v4.1: 12 of 1,607,560 alleles (0.00075%); highest among the groups gnomAD compares: African/African-American, 0.016%; no homozygotes.

Submission:

PreventionGenetics, part of Exact Sciences
Classification: Likely benign for PIBF1-related condition. Last evaluated: 2022-10-25. Review status: no assertion criteria provided. Collection method: clinical testing. Allele origin: germline.
Comment: This variant is classified as likely benign based on ACMG/AMP sequence variant interpretation guidelines (Richards et al. 2015 PMID: 25741868, with internal and published modifications).

NM_006346.4(PIBF1):c.585A>G (p.Arg195=)

Gene: PIBF1 (progesterone immunomodulatory binding factor 1; plus strand). Cytogenetic location: 13q21.33.
Variant type: single nucleotide variant.
Coding change: c.585A>G on transcript NM_006346.4 (MANE Select); coding-DNA position 585, A replaced by G.
Protein change: p.Arg195=; no amino-acid change (arginine 195 retained).
Molecular consequence: synonymous variant. On other transcripts: non-coding transcript variant (2).
Genome position (GRCh38, 1-based): chr13:72,797,939, A>G. VCF-style: chr13-72797939-A-G. GRCh37 (hg19) VCF-style: chr13-73372077-A-G.
Other names: c.585A>G, p.Arg195= (NM_001349655.2).
Identifiers: ClinVar variation 3030532 (VCV003030532.2), dbSNP rs145932150, ClinGen allele CA7001992.